The following is an entry in ClinVar:

ClinVar aggregate classification (germline): Uncertain significance (1 of 4 stars; one submission).

Conditions:
Dihydropteridine reductase deficiency (HPABH4C). Also called: DHPR DEFICIENCY; BH4-Deficient Hyperphenylalaninemia C; Hyperphenylalaninemia due to dihydropteridine reductase deficiency; Hyperphenylalaninemia, BH-4-deficient, C; Phenylketonuria type 2; HYPERPHENYLALANINEMIA, TETRAHYDROBIOPTERIN-DEFICIENT, DUE TO DHPR DEFICIENCY. Identifiers: Orphanet 226, Orphanet 238583, MedGen C0268465, MONDO:0009862, OMIM 261630.

Submission:

Labcorp Genetics (formerly Invitae), Labcorp
Classification: Uncertain significance for Dihydropteridine reductase deficiency. Last evaluated: 2022-07-26. Review status: criteria provided, single submitter. Criteria: Invitae Variant Classification Sherloc (09022015). Collection method: clinical testing. Allele origin: germline.
Comment: This variant, c.15_17del, results in the deletion of 1 amino acid(s) of the QDPR protein (p.Ala7del), but otherwise preserves the integrity of the reading frame. The frequency data for this variant in the population databases is considered unreliable, as metrics indicate poor data quality at this position in the gnomAD database. This variant has not been reported in the literature in individuals affected with QDPR-related conditions. Experimental studies and prediction algorithms are not available or were not evaluated, and the functional significance of this variant is currently unknown. In summary, the available evidence is currently insufficient to determine the role of this variant in disease. Therefore, it has been classified as a Variant of Uncertain Significance.

NM_000320.3(QDPR):c.3GGC[4] (p.Ala7del)

Genes: QDPR (quinoid dihydropteridine reductase; minus strand), LOC129992304 (ATAC-STARR-seq lymphoblastoid silent region 15310; plus strand). Cytogenetic location: 4p15.32.
Variant type: Microsatellite.
Coding change: c.3GGC[4] on transcript NM_000320.3 (MANE Select); four copies in a row of the 3-base unit GGC starting at c.3; the reference has five copies in a row; one copy, 3 bases deleted.
Protein change: p.Ala7del; deletes alanine 7.
Molecular consequence: inframe deletion, initiator codon variant. On other transcripts: non-coding transcript variant (1).
Genome position (GRCh38, 1-based): chr4:17,512,038-17,512,040, GCC deleted on the plus strand (GGC on the coding strand, the reverse complement: QDPR is on the minus strand); deleting any 3 consecutive bases within chr4:17,512,038-17,512,052 gives the same sequence; the position shown is the placement nearest the transcript's 3' end. VCF-style (leftmost placement, unchanged base first): chr4-17512037-AGCC-A. GRCh37 (hg19) VCF-style: chr4-17513660-AGCC-A.
Other names: c.3GGC[4], p.Ala7del (NM_001306140.2); short protein forms A7del.
Identifiers: ClinVar variation 1426401 (VCV001426401.5), dbSNP rs762480653, ClinGen allele CA2868261.